The following is an entry in ClinVar:

NM_021072.4(HCN1):c.747G>C (p.Lys249Asn)

Gene: HCN1 (hyperpolarization activated cyclic nucleotide gated potassium channel 1; minus strand). Cytogenetic location: 5p12.
Variant type: single nucleotide variant.
Coding change: c.747G>C on transcript NM_021072.4 (MANE Select); coding-DNA position 747, G replaced by C.
Protein change: p.Lys249Asn; replaces lysine 249 with asparagine.
Molecular consequence: missense variant.
Genome position (GRCh38, 1-based): chr5:45,645,287, C>G on the plus strand (G>C on the coding strand, the complement: HCN1 is on the minus strand). VCF-style: chr5-45645287-C-G. GRCh37 (hg19) VCF-style: chr5-45645389-C-G.
Other names: short protein forms K249N.
Identifiers: ClinVar variation 2444576 (VCV002444576.3), dbSNP rs750020545, ClinGen allele CA359707200.
Genomic context (GRCh38, chr5:45,645,287, plus strand): 5'-TAATAAACGCAAGAGACTGAGAATTTTTGTAAACCTCACAATGCGAAGTGCCCTGGCTGT[C>G]TTGTAAACTTCAGAATCCATTCCTTTTTCTACAATAAGAAAGATATAATCCACTGGGATG-3'
Protein context (NP_066550.2, residues 239-259): VEKGMDSEVY[Lys249Asn]TARALRIVRF

ClinVar aggregate classification (germline): Uncertain significance. Review status: criteria provided, multiple submitters, no conflicts (2 of 4 stars). 2 submissions from 2 submitters: Uncertain significance (2). Last evaluated 2025-01-30.

Submissions (2):

Women's Health and Genetics/Laboratory Corporation of America, LabCorp
Classification: Uncertain significance. Last evaluated: 2025-01-30. Review status: criteria provided, single submitter. Criteria: LabCorp Variant Classification Summary - May 2015. Collection method: clinical testing. Allele origin: germline.
Comment: Variant summary: HCN1 c.747G>C (p.Lys249Asn) results in a non-conservative amino acid change in the encoded protein sequence. Four of five in-silico tools predict a damaging effect of the variant on protein function. The variant was absent in 250584 control chromosomes (gnomAD). The available data on variant occurrences in the general population are insufficient to allow any conclusion about variant significance. To our knowledge, no occurrence of c.747G>C in individuals affected with HCN1-Related Disorders and no experimental evidence demonstrating its impact on protein function have been reported. ClinVar contains an entry for this variant (Variation ID: 2444576). Based on the evidence outlined above, the variant was classified as uncertain significance.

GeneDx
Classification: Uncertain significance. Last evaluated: 2022-09-20. Review status: criteria provided, single submitter. Criteria: GeneDx Variant Classification Process June 2021. Collection method: clinical testing. Allele origin: germline. Affected: yes.
Comment: Not observed at significant frequency in large population cohorts (gnomAD); In silico analysis supports that this missense variant has a deleterious effect on protein structure/function; Has not been previously published as pathogenic or benign to our knowledge